The following is an entry in ClinVar:

ClinVar aggregate classification (germline): Uncertain significance (1 of 4 stars; one submission).

Conditions:
Autosomal dominant limb-girdle muscular dystrophy type 1G (LGMDD3). Also called: MUSCULAR DYSTROPHY, LIMB-GIRDLE, AUTOSOMAL DOMINANT 3; Limb-girdle muscular dystrophy, type 1G. Identifiers: Orphanet 55596, MedGen C1836765, MONDO:0012193, OMIM 609115.

Submission:

Labcorp Genetics (formerly Invitae), Labcorp
Classification: Uncertain significance for Autosomal dominant limb-girdle muscular dystrophy type 1G. Last evaluated: 2024-04-30. Review status: criteria provided, single submitter. Criteria: Invitae Variant Classification Sherloc (09022015). Collection method: clinical testing. Allele origin: germline.
Comment: This sequence change replaces serine, which is neutral and polar, with cysteine, which is neutral and slightly polar, at codon 24 of the HNRNPDL protein (p.Ser24Cys). This variant is not present in population databases (gnomAD no frequency). This variant has not been reported in the literature in individuals affected with HNRNPDL-related conditions. An algorithm developed to predict the effect of missense changes on protein structure and function (PolyPhen-2) suggests that this variant is likely to be tolerated. In summary, the available evidence is currently insufficient to determine the role of this variant in disease. Therefore, it has been classified as a Variant of Uncertain Significance.

NM_031372.4(HNRNPDL):c.71C>G (p.Ser24Cys)

Gene: HNRNPDL (heterogeneous nuclear ribonucleoprotein D like; minus strand). Cytogenetic location: 4q21.22.
Variant type: single nucleotide variant.
Coding change: c.71C>G on transcript NM_031372.4 (MANE Select); coding-DNA position 71, C replaced by G.
Protein change: p.Ser24Cys; replaces serine 24 with cysteine.
Molecular consequence: missense variant. On other transcripts: non-coding transcript variant (1).
Genome position (GRCh38, 1-based): chr4:82,429,620, G>C on the plus strand (C>G on the coding strand, the complement: HNRNPDL is on the minus strand). VCF-style: chr4-82429620-G-C. GRCh37 (hg19) VCF-style: chr4-83350773-G-C.
Other names: c.71C>G, p.Ser24Cys (NM_001207000.1); short protein forms S24C.
Identifiers: ClinVar variation 3698080 (VCV003698080.2).